The following is an entry in ClinVar:

NM_001365308.1(BMPER):c.927+3A>G

Gene: BMPER (BMP binding endothelial regulator; plus strand). Cytogenetic location: 7p14.3.
Variant type: single nucleotide variant.
Coding change: c.927+3A>G on transcript NM_001365308.1 (MANE Select); 3 bases into the intron after coding-DNA position 927, A replaced by G.
Molecular consequence: intron variant.
Genome position (GRCh38, 1-based): chr7:34,055,306, A>G. VCF-style: chr7-34055306-A-G. GRCh37 (hg19) VCF-style: chr7-34094918-A-G.
Other names: c.927+3A>G (NM_133468.5).
Identifiers: ClinVar variation 1913437 (VCV001913437.2), dbSNP rs373747862, ClinGen allele CA4215225.

ClinVar aggregate classification (germline): Uncertain significance (1 of 4 stars; one submission).

Allele frequency attached by ClinVar (database versions not stated): gnomAD 0.00004; TOPMed 0.00005; ESP Exome Variant Server 0.00008.
gnomAD v4.1: 11 of 1,613,918 alleles (0.00068%); highest among the groups gnomAD compares: African/African-American, 0.015%; no homozygotes.

Submission:

Labcorp Genetics (formerly Invitae), Labcorp
Classification: Uncertain significance. Last evaluated: 2022-01-02. Review status: criteria provided, single submitter. Criteria: Invitae Variant Classification Sherloc (09022015). Collection method: clinical testing. Allele origin: germline.
Comment: This sequence change falls in intron 10 of the BMPER gene. It does not directly change the encoded amino acid sequence of the BMPER protein. It affects a nucleotide within the consensus splice site. This variant is present in population databases (rs373747862, gnomAD 0.02%). This variant has not been reported in the literature in individuals affected with BMPER-related conditions. Variants that disrupt the consensus splice site are a relatively common cause of aberrant splicing (PMID: 17576681, 9536098). Algorithms developed to predict the effect of sequence changes on RNA splicing suggest that this variant may disrupt the consensus splice site. In summary, the available evidence is currently insufficient to determine the role of this variant in disease. Therefore, it has been classified as a Variant of Uncertain Significance.

Literature cited by the submitters: PubMed 17576681; PubMed 9536098.